The following is an entry in ClinVar:

NM_001384732.1(CPLANE1):c.2524T>A (p.Ser842Thr)

Gene: CPLANE1 (ciliogenesis and planar polarity effector complex subunit 1; minus strand). Cytogenetic location: 5p13.2.
Variant type: single nucleotide variant.
Coding change: c.2524T>A on transcript NM_001384732.1 (MANE Select); coding-DNA position 2524, T replaced by A.
Protein change: p.Ser842Thr; replaces serine 842 with threonine.
Molecular consequence: missense variant.
Genome position (GRCh38, 1-based): chr5:37,224,310, A>T on the plus strand (T>A on the coding strand, the complement: CPLANE1 is on the minus strand). VCF-style: chr5-37224310-A-T. GRCh37 (hg19) VCF-style: chr5-37224412-A-T.
Other names: c.2524T>A, p.Ser842Thr (NM_023073.4); short protein forms S842T.
Identifiers: ClinVar variation 3076681 (VCV003076681.1), dbSNP rs2548540958, ClinGen allele CA359492218.

ClinVar aggregate classification (germline): Uncertain significance (1 of 4 stars; one submission).

Conditions:
Inborn genetic diseases. Identifiers: MedGen C0950123, MeSH D030342.

Submission:

Ambry Genetics
Classification: Uncertain significance for Inborn genetic diseases. Last evaluated: 2021-01-29. Review status: criteria provided, single submitter. Criteria: Ambry Variant Classification Scheme 2023. Collection method: clinical testing. Allele origin: germline.
Comment: The c.2524T>A (p.S842T) alteration is located in exon 14 (coding exon 13) of the C5orf42 gene. This alteration results from a T to A substitution at nucleotide position 2524, causing the serine (S) at amino acid position 842 to be replaced by a threonine (T). The p.S842T alteration is predicted to be tolerated by in silico analysis. Based on insufficient or conflicting evidence, the clinical significance of this alteration remains unclear.